The following is an entry in ClinVar:

NM_018051.5(DYNC2I1):c.1370C>A (p.Ser457Tyr)

Gene: DYNC2I1 (dynein 2 intermediate chain 1; plus strand). Cytogenetic location: 7q36.3.
Variant type: single nucleotide variant.
Coding change: c.1370C>A on transcript NM_018051.5 (MANE Select); coding-DNA position 1370, C replaced by A.
Protein change: p.Ser457Tyr; replaces serine 457 with tyrosine.
Molecular consequence: missense variant. On other transcripts: intron variant (1).
Genome position (GRCh38, 1-based): chr7:158,906,001, C>A. VCF-style: chr7-158906001-C-A. GRCh37 (hg19) VCF-style: chr7-158698692-C-A.
Other names: c.1232C>A, p.Ser411Tyr (NM_001350914.2); c.797C>A, p.Ser266Tyr (NM_001350915.2); c.122C>A, p.Ser41Tyr (NM_001350917.2, NM_001350918.2); c.-2+3406C>A (NM_001350916.2); short protein forms S457Y, S266Y, S411Y, S41Y.
Identifiers: ClinVar variation 541524 (VCV000541524.11), dbSNP rs144444098, ClinGen allele CA4594619.

ClinVar aggregate classification (germline): Benign. Review status: criteria provided, single submitter (1 of 4 stars). 2 submissions from 2 submitters: Benign (1). 1 of the submissions does not count toward it. Last evaluated 2026-01-15.

Conditions:
Short-rib thoracic dysplasia 8 with or without polydactyly (SRTD8). Also called: SHORT-RIB THORACIC DYSPLASIA 8 WITH POLYDACTYLY. Identifiers: Orphanet 93271, MedGen C3809691, MONDO:0014214, OMIM 615503.
DYNC2I1-related disorder. Also called: DYNC2I1-related condition.

Allele frequency attached by ClinVar (database versions not stated): gnomAD exomes 0.00045; ExAC 0.00048; 1000 Genomes Project 30x 0.00094; 1000 Genomes Project 0.00120; gnomAD 0.00182; TOPMed 0.00186; ESP Exome Variant Server 0.00187.
gnomAD v4.1: 519 of 1,613,598 alleles (0.032%); highest among the groups gnomAD compares: African/African-American, 0.57%; 2 homozygotes.

Submissions (2):

Labcorp Genetics (formerly Invitae), Labcorp
Classification: Benign for Short-rib thoracic dysplasia 8 with or without polydactyly. Last evaluated: 2026-01-15. Review status: criteria provided, single submitter. Criteria: Invitae Variant Classification Sherloc (09022015). Collection method: clinical testing. Allele origin: germline.

PreventionGenetics, part of Exact Sciences
Classification: Likely benign for DYNC2I1-related condition. Last evaluated: 2020-04-20. Review status: no assertion criteria provided. Collection method: clinical testing. Allele origin: germline. Not counted in ClinVar's aggregate classification.
Comment: This variant is classified as likely benign based on ACMG/AMP sequence variant interpretation guidelines (Richards et al. 2015 PMID: 25741868, with internal and published modifications).